The following is an entry in ClinVar:

NM_033022.4(RPS24):c.-4C>T

Genes: RPS24 (ribosomal protein S24; plus strand), LOC130004144 (ATAC-STARR-seq lymphoblastoid active region 3613; plus strand). Cytogenetic location: 10q22.3.
Variant type: single nucleotide variant.
Coding change: c.-4C>T on transcript NM_033022.4 (MANE Select); 4 bases upstream of the start codon, C replaced by T.
Molecular consequence: 5 prime UTR variant.
Genome position (GRCh38, 1-based): chr10:78,033,898, C>T. VCF-style: chr10-78033898-C-T. GRCh37 (hg19) VCF-style: chr10-79793656-C-T.
Other names: c.-4C>T (NM_001142285.1, NM_001026.5, NM_001142282.2 and 3 more transcripts).
Identifiers: ClinVar variation 1337223 (VCV001337223.7), dbSNP rs370476367, ClinGen allele CA5571874.

ClinVar aggregate classification (germline): Conflicting classifications of pathogenicity. Review status: criteria provided, conflicting classifications (1 of 4 stars). 3 submissions from 3 submitters: Uncertain significance (1); Likely benign (1). 1 of the submissions does not count toward it. Last evaluated 2022-12-21.

Conditions:
RPS24-related disorder. Also called: RPS24-related condition.

Allele frequency attached by ClinVar (database versions not stated): ExAC 0.00008; ESP Exome Variant Server 0.00031; gnomAD 0.00052 and 0.00058; TOPMed 0.00055.
gnomAD v4.1: 209 of 1,614,016 alleles (0.013%); highest among the groups gnomAD compares: African/African-American, 0.17%; 1 homozygote.

Submissions (3):

Blueprint Genetics
Classification: Likely benign. Last evaluated: 2022-12-21. Review status: criteria provided, single submitter. Criteria: ACMG Guidelines, 2015. Collection method: clinical testing. Allele origin: germline.

Genetic Services Laboratory, University of Chicago
Classification: Uncertain significance. Last evaluated: 2019-06-13. Review status: criteria provided, single submitter. Criteria: ACMG Guidelines, 2015. Collection method: clinical testing. Allele origin: germline. Affected: no.

PreventionGenetics, part of Exact Sciences
Classification: Likely benign for RPS24-related condition. Last evaluated: 2019-02-22. Review status: no assertion criteria provided. Collection method: clinical testing. Allele origin: germline. Not counted in ClinVar's aggregate classification.
Comment: This variant is classified as likely benign based on ACMG/AMP sequence variant interpretation guidelines (Richards et al. 2015 PMID: 25741868, with internal and published modifications).